The following is an entry in ClinVar:

NM_001166108.2(PALLD):c.3075A>C (p.Lys1025Asn)

Genes: CBR4 (carbonyl reductase 4; minus strand), PALLD (palladin, cytoskeletal associated protein; plus strand). Cytogenetic location: 4q32.3.
Variant type: single nucleotide variant.
Coding change: c.3075A>C on transcript NM_001166108.2 (MANE Select); coding-DNA position 3075, A replaced by C.
Protein change: p.Lys1025Asn; replaces lysine 1025 with asparagine.
Molecular consequence: missense variant.
Genome position (GRCh38, 1-based): chr4:168,924,271, A>C. VCF-style: chr4-168924271-A-C. GRCh37 (hg19) VCF-style: chr4-169845422-A-C.
Other names: c.1878A>C, p.Lys626Asn (NM_001166109.2); c.1563A>C, p.Lys521Asn (NM_001166110.2); c.903A>C, p.Lys301Asn (NM_001367567.1, NM_001367569.1); c.954A>C, p.Lys318Asn (NM_001367568.1, NM_001367570.1); c.3024A>C, p.Lys1008Asn (NM_016081.4); short protein forms K1025N, K521N, K1008N, K318N, K301N, K626N.
Identifiers: ClinVar variation 3927513 (VCV003927513.1).

ClinVar aggregate classification (germline): Uncertain significance (1 of 4 stars; one submission).

gnomAD v4.1: 1 of 1,613,660 alleles (0.000062%); highest among the groups gnomAD compares: African/African-American, 0.0013%; no homozygotes.

Submission:

Ambry Genetics
Classification: Uncertain significance. Last evaluated: 2025-03-26. Review status: criteria provided, single submitter. Criteria: Ambry Variant Classification Scheme 2023. Collection method: clinical testing. Allele origin: germline.
Comment: The p.K521N variant (also known as c.1563A>C), located in coding exon 9 of the PALLD gene, results from an A to C substitution at nucleotide position 1563. The lysine at codon 521 is replaced by asparagine, an amino acid with similar properties. This amino acid position is conserved. In addition, this alteration is predicted to be tolerated by in silico analysis. Based on the available evidence, the clinical significance of this variant remains unclear.